The following is an entry in ClinVar:

ClinVar aggregate classification (germline): Uncertain significance (1 of 4 stars; one submission).

Submission:

Ambry Genetics
Classification: Uncertain significance. Last evaluated: 2024-11-30. Review status: criteria provided, single submitter. Criteria: Ambry Variant Classification Scheme 2023. Collection method: clinical testing. Allele origin: germline.
Comment: The p.P98A variant (also known as c.292C>G), located in coding exon 1 of the WNK2 gene, results from a C to G substitution at nucleotide position 292. The proline at codon 98 is replaced by alanine, an amino acid with highly similar properties. This amino acid position is conserved. In addition, this alteration is predicted to be tolerated by in silico analysis. Based on the available evidence, the clinical significance of this variant remains unclear.

NM_006648.4(WNK2):c.292C>G (p.Pro98Ala)

Gene: WNK2 (WNK lysine deficient protein kinase 2; plus strand). Cytogenetic location: 9q22.31.
Variant type: single nucleotide variant.
Coding change: c.292C>G on transcript NM_006648.4 (MANE Select); coding-DNA position 292, C replaced by G.
Protein change: p.Pro98Ala; replaces proline 98 with alanine.
Molecular consequence: missense variant.
Genome position (GRCh38, 1-based): chr9:93,185,221, C>G. VCF-style: chr9-93185221-C-G. GRCh37 (hg19) VCF-style: chr9-95947503-C-G.
Other names: c.292C>G, p.Pro98Ala (NM_001282394.3); short protein forms P98A.
Identifiers: ClinVar variation 3470522 (VCV003470522.1).
Genomic context (GRCh38, chr9:93,185,221, plus strand): 5'-CTCTGCAAGACGCGCCGCCTCATCGCGGAGCGCGCCCGCGGACGCCCCGCCGCCCCCGCG[C>G]CCGCAGCGCTGGTAGCGCAGCCGGGAGCCCCCGGAGCCCCCGCGGACGCCGGCCCCGAGC-3'
Protein context (NP_006639.3, residues 88-108): RARGRPAAPA[Pro98Ala]AALVAQPGAP